The following is an entry in ClinVar:

NM_000478.6(ALPL):c.1333T>C (p.Ser445Pro)

Gene: ALPL (alkaline phosphatase, biomineralization associated; plus strand). Cytogenetic location: 1p36.12.
Variant type: single nucleotide variant.
Coding change: c.1333T>C on transcript NM_000478.6 (MANE Select); coding-DNA position 1333, T replaced by C.
Protein change: p.Ser445Pro; replaces serine 445 with proline.
Molecular consequence: missense variant.
Genome position (GRCh38, 1-based): chr1:21,577,406, T>C. VCF-style: chr1-21577406-T-C. GRCh37 (hg19) VCF-style: chr1-21903899-T-C.
Other names: c.1168T>C, p.Ser390Pro (NM_001127501.4); c.1102T>C, p.Ser368Pro (NM_001177520.3); c.1333T>C, p.Ser445Pro (NM_001369803.2, NM_001369804.2, NM_001369805.2); short protein forms S445P, S390P, S368P.
Identifiers: ClinVar variation 552418 (VCV000552418.9), dbSNP rs1553415041, ClinGen allele CA338881981.
Genomic context (GRCh38, chr1:21,577,406, plus strand): 5'-TGGCAGGCTCTCAGCAGGTGTTTCCCCTGGCCCACAGCTCACAACAACTACCAGGCGCAG[T>C]CTGCTGTGCCCCTGCGCCACGAGACCCACGGCGGGGAGGACGTGGCCGTCTTCTCCAAGG-3'
Protein context (NP_000469.3, residues 435-455): DYAHNNYQAQ[Ser445Pro]AVPLRHETHG

ClinVar aggregate classification (germline): Pathogenic. Review status: criteria provided, multiple submitters, no conflicts (2 of 4 stars). 7 submissions from 7 submitters: Pathogenic (5). 2 of the submissions do not count toward it. Last evaluated 2025-08-29.

Conditions:
Infantile hypophosphatasia. Identifiers: Orphanet 247651, Orphanet 436, MedGen C0268412, MONDO:1010169, OMIM 241500, MONDO:0009427.
Adult hypophosphatasia. Identifiers: Orphanet 247676, Orphanet 436, MedGen C0268413, MONDO:1010154, OMIM 146300, MONDO:0007798.
Hypophosphataemia or rickets.
Childhood hypophosphatasia. Identifiers: Orphanet 247667, Orphanet 436, MedGen C0220743, MONDO:1010168, OMIM 241510, MONDO:0009428.
Hypophosphatasia. Also called: Phosphoethanol-aminuria. Identifiers: Orphanet 436, MedGen C0020630, MeSH D007014, MONDO:0018570.

Allele frequency attached by ClinVar (database versions not stated): gnomAD exomes below 0.00001.
gnomAD v4.1: 3 of 1,613,302 alleles (0.00019%); highest among the groups gnomAD compares: Non-Finnish European, 0.00025%; no homozygotes.

Submissions (7):

Genomenon, Inc
Classification: Pathogenic for Hypophosphatasia. Last evaluated: 2025-08-29. Review status: criteria provided, single submitter. Criteria: Genomenon Sequence Variant Interpretation Standards. Collection method: curation. Allele origin: germline. Affected: yes.
Comment: ALPL c.1333T>C is a missense variant that changes the amino acid at residue 445 from Serine to Proline. This variant has been observed in at least one proband affected with hypophosphatasia (PMID:29236161;19500388;9781036). At least one functional study has demonstrated a substantial alteration in protein function relative to the wild-type (PMID:19500388;10332035). It is absent or not present at a significant frequency in gnomAD. In silico models agree that this variant is possibly or probably damaging. In conclusion, we classify ALPL p.Ser445Pro (c.1333T>C) as a pathogenic variant.

Labcorp Genetics (formerly Invitae), Labcorp
Classification: Pathogenic. Last evaluated: 2025-08-11. Review status: criteria provided, single submitter. Criteria: Invitae Variant Classification Sherloc (09022015). Collection method: clinical testing. Allele origin: germline.
Comment: This sequence change replaces serine, which is neutral and polar, with proline, which is neutral and non-polar, at codon 445 of the ALPL protein (p.Ser445Pro). This variant is not present in population databases (gnomAD no frequency). This missense change has been observed in individual(s) with hypophosphatasia (PMID: 9781036, 19500388; internal data). This variant is also known as S428P. ClinVar contains an entry for this variant (Variation ID: 552418). Invitae Evidence Modeling of protein sequence and biophysical properties (such as structural, functional, and spatial information, amino acid conservation, physicochemical variation, residue mobility, and thermodynamic stability) indicates that this missense variant is expected to disrupt ALPL protein function with a positive predictive value of 95%. For these reasons, this variant has been classified as Pathogenic.

Fulgent Genetics
Classification: Pathogenic for Adult hypophosphatasia; Infantile hypophosphatasia; Childhood hypophosphatasia. Last evaluated: 2024-04-30. Review status: criteria provided, single submitter. Criteria: ACMG Guidelines, 2015. Collection method: clinical testing. Allele origin: germline.

Women's Health and Genetics/Laboratory Corporation of America, LabCorp
Classification: Pathogenic for Hypophosphatasia. Last evaluated: 2024-04-26. Review status: criteria provided, single submitter. Criteria: LabCorp Variant Classification Summary - May 2015. Collection method: clinical testing. Allele origin: germline.
Comment: Variant summary: ALPL c.1333T>C (p.Ser445Pro) results in a non-conservative amino acid change in the encoded protein sequence. Five of five in-silico tools predict a damaging effect of the variant on protein function. The variant was absent in 245852 control chromosomes. c.1333T>C has been reported in the literature in compound heterozygous state with a pathogenic variant or in heterozygous state in individuals affected with infantile or adult form of Hypophosphatasia with moderate ro severe symptom (Sugiyama_2022, del Angel_2020, Zurutuza_1999, Taillandier_2018). These data indicate that the variant is likely to be associated with disease. At least one publication reports experimental evidence evaluating an impact on protein function. The most pronounced variant effect results in <10% of normal activity (Fauvert_2009). The following publications have been ascertained in the context of this evaluation (PMID: 19500388, 9781036, 35197081, 29236161, 10332035, 32160374). ClinVar contains an entry for this variant (Variation ID: 552418). Based on the evidence outlined above, the variant was classified as pathogenic.

Equipe Genetique des Anomalies du Developpement, Université de Bourgogne
Classification: Pathogenic for Adult hypophosphatasia. Last evaluated: 2023-05-02. Review status: criteria provided, single submitter. Criteria: ACMG Guidelines, 2015. Collection method: clinical testing. Allele origin: maternal. Inheritance: Autosomal dominant inheritance. Affected: yes.

Exeter Genomics Laboratory, Royal Devon University Healthcare NHS Foundation Trust
Classification: Likely pathogenic for Hypophosphataemia or rickets. Last evaluated: 2025-06-02. Review status: no assertion criteria provided. Collection method: clinical testing. Allele origin: germline. Affected: yes. Not counted in ClinVar's aggregate classification.

Counsyl
Classification: Uncertain significance for Infantile hypophosphatasia. Last evaluated: 2017-06-09. Review status: no assertion criteria provided. Collection method: clinical testing. Allele origin: unknown. Not counted in ClinVar's aggregate classification.

Literature cited by the submitters: PubMed 29236161 (cited by Genomenon, Inc and Women's Health and Genetics/Laboratory Corporation of America, LabCorp); PubMed 19500388 (cited by 4 submitters); PubMed 9781036 (cited by 3 submitters); PubMed 10332035 (cited by 3 submitters); PubMed 32160374 (cited by Women's Health and Genetics/Laboratory Corporation of America, LabCorp); PubMed 35197081 (cited by Women's Health and Genetics/Laboratory Corporation of America, LabCorp).